The following is an entry in ClinVar:

NM_004958.4(MTOR):c.3248T>C (p.Met1083Thr)

Gene: MTOR (mechanistic target of rapamycin kinase; minus strand). Cytogenetic location: 1p36.22.
Variant type: single nucleotide variant.
Coding change: c.3248T>C on transcript NM_004958.4 (MANE Select); coding-DNA position 3248, T replaced by C.
Protein change: p.Met1083Thr; replaces methionine 1083 with threonine.
Molecular consequence: missense variant.
Genome position (GRCh38, 1-based): chr1:11,213,436, A>G on the plus strand (T>C on the coding strand, the complement: MTOR is on the minus strand). VCF-style: chr1-11213436-A-G. GRCh37 (hg19) VCF-style: chr1-11273493-A-G.
Other names: c.3248T>C, p.Met1083Thr (NM_001386500.1); c.2000T>C, p.Met667Thr (NM_001386501.1); short protein forms M1083T, M667T.
Identifiers: ClinVar variation 1993749 (VCV001993749.4), dbSNP rs544517414, ClinGen allele CA590282.
Genomic context (GRCh38, chr1:11,213,436, plus strand): 5'-GGAGGATGACGTAGGCTACTCACCTTGATAGAGACAATGCGGCCTGGGCTGTTGTCATGC[A>G]TGAAGACACGCAGCATGTGTGGGATCAGCTGGGGCAGGTAGAGCTTAAATTCACCCCCAA-3'
Protein context (NP_004949.1, residues 1073-1093): QLIPHMLRVF[Met1083Thr]HDNSPGRIVS

ClinVar aggregate classification (germline): Uncertain significance (1 of 4 stars; one submission).

Allele frequency attached by ClinVar (database versions not stated): ExAC 0.00002; 1000 Genomes Project 30x 0.00016; 1000 Genomes Project 0.00020.

Submission:

Labcorp Genetics (formerly Invitae), Labcorp
Classification: Uncertain significance. Last evaluated: 2022-09-27. Review status: criteria provided, single submitter. Criteria: Invitae Variant Classification Sherloc (09022015). Collection method: clinical testing. Allele origin: germline.
Comment: In summary, the available evidence is currently insufficient to determine the role of this variant in disease. Therefore, it has been classified as a Variant of Uncertain Significance. Advanced modeling of protein sequence and biophysical properties (such as structural, functional, and spatial information, amino acid conservation, physicochemical variation, residue mobility, and thermodynamic stability) performed at Invitae indicates that this missense variant is not expected to disrupt MTOR protein function. This variant has not been reported in the literature in individuals affected with MTOR-related conditions. This variant is present in population databases (rs544517414, gnomAD 0.007%). This sequence change replaces methionine, which is neutral and non-polar, with threonine, which is neutral and polar, at codon 1083 of the MTOR protein (p.Met1083Thr).